The following is an entry in ClinVar:

NM_003924.4(PHOX2B):c.145A>T (p.Thr49Ser)

Genes: PHOX2B-AS1 (PHOX2B antisense RNA 1; plus strand), PHOX2B (paired like homeobox 2B; minus strand). Cytogenetic location: 4p13.
Variant type: single nucleotide variant.
Coding change: c.145A>T on transcript NM_003924.4 (MANE Select); coding-DNA position 145, A replaced by T.
Protein change: p.Thr49Ser; replaces threonine 49 with serine.
Molecular consequence: missense variant. On other transcripts: non-coding transcript variant (1).
Genome position (GRCh38, 1-based): chr4:41,748,466, T>A on the plus strand (A>T on the coding strand, the complement: PHOX2B is on the minus strand). VCF-style: chr4-41748466-T-A. GRCh37 (hg19) VCF-style: chr4-41750483-T-A.
Other names: short protein forms T49S.
Identifiers: ClinVar variation 2762762 (VCV002762762.4), dbSNP rs2153113059, ClinGen allele CA356740980.

ClinVar aggregate classification (germline): Uncertain significance. Review status: criteria provided, multiple submitters, no conflicts (2 of 4 stars). 2 submissions from 2 submitters: Uncertain significance (2). Last evaluated 2024-01-24.

Conditions:
Haddad syndrome (OHD). Also called: Ondine-Hirschsprung disease. Identifiers: Orphanet 99803, MedGen C1859049, MONDO:0020493.
Hereditary cancer-predisposing syndrome. Also called: Hereditary neoplastic syndrome; Neoplastic Syndromes, Hereditary; Hereditary Cancer Syndrome; Tumor predisposition. Identifiers: Orphanet 140162, MedGen C0027672, MeSH D009386, MONDO:0015356.

Submissions (2):

Ambry Genetics
Classification: Uncertain significance for Hereditary cancer-predisposing syndrome. Last evaluated: 2024-01-24. Review status: criteria provided, single submitter. Criteria: Ambry Variant Classification Scheme 2023. Collection method: clinical testing. Allele origin: germline.
Comment: The p.T49S variant (also known as c.145A>T), located in coding exon 1 of the PHOX2B gene, results from an A to T substitution at nucleotide position 145. The threonine at codon 49 is replaced by serine, an amino acid with similar properties. This amino acid position is conserved. In addition, the in silico prediction for this alteration is inconclusive. Based on the available evidence, the clinical significance of this alteration remains unclear.

Labcorp Genetics (formerly Invitae), Labcorp
Classification: Uncertain significance for Haddad syndrome. Last evaluated: 2023-09-22. Review status: criteria provided, single submitter. Criteria: Invitae Variant Classification Sherloc (09022015). Collection method: clinical testing. Allele origin: germline.
Comment: This sequence change replaces threonine, which is neutral and polar, with serine, which is neutral and polar, at codon 49 of the PHOX2B protein (p.Thr49Ser). This variant is not present in population databases (gnomAD no frequency). In summary, the available evidence is currently insufficient to determine the role of this variant in disease. Therefore, it has been classified as a Variant of Uncertain Significance. Advanced modeling of protein sequence and biophysical properties (such as structural, functional, and spatial information, amino acid conservation, physicochemical variation, residue mobility, and thermodynamic stability) performed at Invitae indicates that this missense variant is not expected to disrupt PHOX2B protein function. This variant has not been reported in the literature in individuals affected with PHOX2B-related conditions.